The following is an entry in ClinVar:

ClinVar aggregate classification (germline): Uncertain significance (1 of 4 stars; one submission).

Allele frequency attached by ClinVar (database versions not stated): gnomAD 0.00002; gnomAD exomes 0.00002; TOPMed 0.00002.
gnomAD v4.1: 10 of 1,205,392 alleles (0.00083%); highest among the groups gnomAD compares: East Asian, 0.012%; no homozygotes.

Submission:

Labcorp Genetics (formerly Invitae), Labcorp
Classification: Uncertain significance. Last evaluated: 2024-03-21. Review status: criteria provided, single submitter. Criteria: Invitae Variant Classification Sherloc (09022015). Collection method: clinical testing. Allele origin: germline.
Comment: This sequence change falls in intron 26 of the HUWE1 gene. It does not directly change the encoded amino acid sequence of the HUWE1 protein. This variant is present in population databases (no rsID available, gnomAD 0.01%). This variant has not been reported in the literature in individuals affected with HUWE1-related conditions. Algorithms developed to predict the effect of sequence changes on RNA splicing suggest that this variant may disrupt the consensus splice site. In summary, the available evidence is currently insufficient to determine the role of this variant in disease. Therefore, it has been classified as a Variant of Uncertain Significance.

NM_031407.7(HUWE1):c.2743-9T>C

Gene: HUWE1 (HECT, UBA and WWE domain containing E3 ubiquitin protein ligase 1; minus strand). Cytogenetic location: Xp11.22.
Variant type: single nucleotide variant.
Coding change: c.2743-9T>C on transcript NM_031407.7 (MANE Select); 9 bases into the intron before coding-DNA position 2743, T replaced by C.
Molecular consequence: intron variant.
Genome position (GRCh38, 1-based): chrX:53,603,510, A>G on the plus strand (T>C on the coding strand, the complement: HUWE1 is on the minus strand). VCF-style: chrX-53603510-A-G. GRCh37 (hg19) VCF-style: chrX-53630471-A-G.
Identifiers: ClinVar variation 2965942 (VCV002965942.3), dbSNP rs892752729, ClinGen allele CA329201838.